The following is an entry in ClinVar:

NM_006734.4(HIVEP2):c.5036A>C (p.Asn1679Thr)

Gene: HIVEP2 (HIVEP zinc finger 2; minus strand). Cytogenetic location: 6q24.2.
Variant type: single nucleotide variant.
Coding change: c.5036A>C on transcript NM_006734.4 (MANE Select); coding-DNA position 5036, A replaced by C.
Protein change: p.Asn1679Thr; replaces asparagine 1679 with threonine.
Molecular consequence: missense variant.
Genome position (GRCh38, 1-based): chr6:142,769,703, T>G on the plus strand (A>C on the coding strand, the complement: HIVEP2 is on the minus strand). VCF-style: chr6-142769703-T-G. GRCh37 (hg19) VCF-style: chr6-143090840-T-G.
Other names: short protein forms N1679T.
Identifiers: ClinVar variation 3672553 (VCV003672553.2).

ClinVar aggregate classification (germline): Uncertain significance (1 of 4 stars; one submission).

Submission:

Labcorp Genetics (formerly Invitae), Labcorp
Classification: Uncertain significance. Last evaluated: 2024-01-28. Review status: criteria provided, single submitter. Criteria: Invitae Variant Classification Sherloc (09022015). Collection method: clinical testing. Allele origin: germline.
Comment: This sequence change replaces asparagine, which is neutral and polar, with threonine, which is neutral and polar, at codon 1679 of the HIVEP2 protein (p.Asn1679Thr). This variant is not present in population databases (gnomAD no frequency). This variant has not been reported in the literature in individuals affected with HIVEP2-related conditions. Advanced modeling of protein sequence and biophysical properties (such as structural, functional, and spatial information, amino acid conservation, physicochemical variation, residue mobility, and thermodynamic stability) performed at Invitae indicates that this missense variant is expected to disrupt HIVEP2 protein function with a positive predictive value of 80%. In summary, the available evidence is currently insufficient to determine the role of this variant in disease. Therefore, it has been classified as a Variant of Uncertain Significance.